The following is an entry in ClinVar:

ClinVar aggregate classification (germline): Uncertain significance. Review status: criteria provided, multiple submitters, no conflicts (2 of 4 stars). 3 submissions from 3 submitters: Uncertain significance (3). Last evaluated 2024-03-14.

Conditions:
Retinal dystrophy. Also called: Inherited retinal dystrophy. Identifiers: Orphanet 71862, MedGen C0854723, MeSH D058499, MONDO:0019118, HP:0000556.

Allele frequency attached by ClinVar (database versions not stated): ExAC 0.00001; gnomAD exomes 0.00002; gnomAD 0.00004 and 0.00005; TOPMed 0.00005.

Submissions (3):

Blueprint Genetics
Classification: Uncertain significance. Last evaluated: 2024-03-14. Review status: criteria provided, single submitter. Criteria: ACMG Guidelines, 2015. Collection method: clinical testing. Allele origin: germline.

Dept Of Ophthalmology, Nagoya University
Classification: Uncertain significance for Retinal dystrophy. Last evaluated: 2023-10-01. Review status: criteria provided, single submitter. Criteria: Submitter's publication. Collection method: research. Allele origin: germline. Affected: yes.

Labcorp Genetics (formerly Invitae), Labcorp
Classification: Uncertain significance. Last evaluated: 2022-07-12. Review status: criteria provided, single submitter. Criteria: Invitae Variant Classification Sherloc (09022015). Collection method: clinical testing. Allele origin: germline.
Comment: This sequence change replaces arginine, which is basic and polar, with tryptophan, which is neutral and slightly polar, at codon 154 of the IDH3B protein (p.Arg154Trp). This variant is present in population databases (rs761550849, gnomAD 0.02%). This variant has not been reported in the literature in individuals affected with IDH3B-related conditions. ClinVar contains an entry for this variant (Variation ID: 1404127). Algorithms developed to predict the effect of missense changes on protein structure and function are either unavailable or do not agree on the potential impact of this missense change (SIFT: "Not Available"; PolyPhen-2: "Probably Damaging"; Align-GVGD: "Not Available"). In summary, the available evidence is currently insufficient to determine the role of this variant in disease. Therefore, it has been classified as a Variant of Uncertain Significance.

NM_006899.5(IDH3B):c.460C>T (p.Arg154Trp)

Gene: IDH3B (isocitrate dehydrogenase (NAD(+)) 3 non-catalytic subunit beta; minus strand). Cytogenetic location: 20p13.
Variant type: single nucleotide variant.
Coding change: c.460C>T on transcript NM_006899.5 (MANE Select); coding-DNA position 460, C replaced by T.
Protein change: p.Arg154Trp; replaces arginine 154 with tryptophan.
Molecular consequence: missense variant. On other transcripts: non-coding transcript variant (1).
Genome position (GRCh38, 1-based): chr20:2,660,768, G>A on the plus strand (C>T on the coding strand, the complement: IDH3B is on the minus strand). VCF-style: chr20-2660768-G-A. GRCh37 (hg19) VCF-style: chr20-2641414-G-A.
Other names: c.460C>T, p.Arg154Trp (NM_001258384.3, NM_001330763.2, NM_174855.4); short protein forms R154W.
Identifiers: ClinVar variation 1404127 (VCV001404127.5), dbSNP rs761550849, ClinGen allele CA9735280.